The following is an entry in ClinVar:

NM_020191.4(MRPS22):c.208T>C (p.Phe70Leu)

Gene: MRPS22 (mitochondrial ribosomal protein S22; plus strand). Cytogenetic location: 3q23.
Variant type: single nucleotide variant.
Coding change: c.208T>C on transcript NM_020191.4 (MANE Select); coding-DNA position 208, T replaced by C.
Protein change: p.Phe70Leu; replaces phenylalanine 70 with leucine.
Molecular consequence: missense variant.
Genome position (GRCh38, 1-based): chr3:139,346,913, T>C. VCF-style: chr3-139346913-T-C. GRCh37 (hg19) VCF-style: chr3-139065755-T-C.
Other names: c.208T>C (NM_020191.2); c.85T>C, p.Phe29Leu (NM_001363857.1); c.205T>C, p.Phe69Leu (NM_001363893.1); short protein forms F29L, F69L, F70L.
Identifiers: ClinVar variation 2079455 (VCV002079455.2), dbSNP rs142519311, ClinGen allele CA2640661.

ClinVar aggregate classification (germline): Uncertain significance. Review status: criteria provided, multiple submitters, no conflicts (2 of 4 stars). 2 submissions from 2 submitters: Uncertain significance (2). Last evaluated 2025-01-30.

Allele frequency attached by ClinVar (database versions not stated): gnomAD 0.00030; 1000 Genomes Project 0.00040; TOPMed 0.00043; ESP Exome Variant Server 0.00046; 1000 Genomes Project 30x 0.00047; gnomAD exomes 0.00004; ExAC 0.00014.

Submissions (2):

GeneDx
Classification: Uncertain significance. Last evaluated: 2025-01-30. Review status: criteria provided, single submitter. Criteria: GeneDx Variant Classification Process June 2021. Collection method: clinical testing. Allele origin: germline. Affected: yes.
Comment: In silico analysis supports that this missense variant has a deleterious effect on protein structure/function; Has not been previously published as pathogenic or benign to our knowledge

Labcorp Genetics (formerly Invitae), Labcorp
Classification: Uncertain significance. Last evaluated: 2022-06-05. Review status: criteria provided, single submitter. Criteria: Invitae Variant Classification Sherloc (09022015). Collection method: clinical testing. Allele origin: germline.
Comment: This sequence change replaces phenylalanine, which is neutral and non-polar, with leucine, which is neutral and non-polar, at codon 70 of the MRPS22 protein (p.Phe70Leu). This variant is present in population databases (rs142519311, gnomAD 0.1%). This variant has not been reported in the literature in individuals affected with MRPS22-related conditions. Algorithms developed to predict the effect of missense changes on protein structure and function are either unavailable or do not agree on the potential impact of this missense change (SIFT: "Deleterious"; PolyPhen-2: "Probably Damaging"; Align-GVGD: "Class C0"). In summary, the available evidence is currently insufficient to determine the role of this variant in disease. Therefore, it has been classified as a Variant of Uncertain Significance.